The following is an entry in ClinVar:

NM_017617.5(NOTCH1):c.410C>A (p.Ser137Ter)

Gene: NOTCH1 (notch receptor 1; minus strand). Cytogenetic location: 9q34.3.
Variant type: single nucleotide variant.
Coding change: c.410C>A on transcript NM_017617.5 (MANE Select); coding-DNA position 410, C replaced by A.
Protein change: p.Ser137Ter; replaces serine 137 with a stop codon.
Molecular consequence: nonsense.
Genome position (GRCh38, 1-based): chr9:136,523,182, G>T on the plus strand (C>A on the coding strand, the complement: NOTCH1 is on the minus strand). VCF-style: chr9-136523182-G-T. GRCh37 (hg19) VCF-style: chr9-139417634-G-T.
Other names: short protein forms S137*.
Identifiers: ClinVar variation 2123517 (VCV002123517.5), dbSNP rs749786734, ClinGen allele CA375571902.

ClinVar aggregate classification (germline): Pathogenic/Likely pathogenic. Review status: criteria provided, multiple submitters, no conflicts (2 of 4 stars). 2 submissions from 2 submitters: Pathogenic (1); Likely pathogenic (1). Last evaluated 2024-03-12.

Conditions:
Adams-Oliver syndrome 5 (AOS5). Identifiers: Orphanet 974, MedGen C4014970, MONDO:0014459, OMIM 616028.
NOTCH1-related disorder. Also called: NOTCH1-related condition; NOTCH1-related disorders.

Submissions (2):

Labcorp Genetics (formerly Invitae), Labcorp
Classification: Pathogenic for Adams-Oliver syndrome 5. Last evaluated: 2024-03-12. Review status: criteria provided, single submitter. Criteria: Invitae Variant Classification Sherloc (09022015). Collection method: clinical testing. Allele origin: germline.
Comment: This sequence change creates a premature translational stop signal (p.Ser137*) in the NOTCH1 gene. It is expected to result in an absent or disrupted protein product. Loss-of-function variants in NOTCH1 are known to be pathogenic (PMID: 16025100, 21457232, 25132448, 25963545, 32720365, 33630301). This variant is not present in population databases (gnomAD no frequency). This variant has not been reported in the literature in individuals affected with NOTCH1-related conditions. ClinVar contains an entry for this variant (Variation ID: 2123517). For these reasons, this variant has been classified as Pathogenic.

Blueprint Genetics
Classification: Likely pathogenic for NOTCH1-related disorders. Last evaluated: 2018-07-24. Review status: criteria provided, single submitter. Criteria: ACMG Guidelines, 2015. Collection method: clinical testing. Allele origin: germline. Affected: yes. Observed: 1 variant allele.

Literature cited by the submitters: PubMed 16025100 (cited by Labcorp Genetics (formerly Invitae), Labcorp); PubMed 21457232 (cited by Labcorp Genetics (formerly Invitae), Labcorp); PubMed 25132448 (cited by Labcorp Genetics (formerly Invitae), Labcorp); PubMed 25963545 (cited by Labcorp Genetics (formerly Invitae), Labcorp); PubMed 32720365 (cited by Labcorp Genetics (formerly Invitae), Labcorp); PubMed 33630301 (cited by Labcorp Genetics (formerly Invitae), Labcorp).